The following is an entry in ClinVar:

ClinVar aggregate classification (germline): Uncertain significance (1 of 4 stars; one submission).

Conditions:
Pitt-Hopkins-like syndrome 2 (PTHSL2). Identifiers: Orphanet 221150, Orphanet 600663, MedGen C3280479, MONDO:0013690, OMIM 614325.

Submission:

Labcorp Genetics (formerly Invitae), Labcorp
Classification: Uncertain significance for Pitt-Hopkins-like syndrome 2. Last evaluated: 2024-10-22. Review status: criteria provided, single submitter. Criteria: Invitae Variant Classification Sherloc (09022015). Collection method: clinical testing. Allele origin: germline.
Comment: This sequence change replaces glutamine, which is neutral and polar, with leucine, which is neutral and non-polar, at codon 1331 of the NRXN1 protein (p.Gln1331Leu). This variant is not present in population databases (gnomAD no frequency). This variant has not been reported in the literature in individuals affected with NRXN1-related conditions. Invitae Evidence Modeling of protein sequence and biophysical properties (such as structural, functional, and spatial information, amino acid conservation, physicochemical variation, residue mobility, and thermodynamic stability) indicates that this missense variant is not expected to disrupt NRXN1 protein function with a negative predictive value of 80%. In summary, the available evidence is currently insufficient to determine the role of this variant in disease. Therefore, it has been classified as a Variant of Uncertain Significance.

NM_001330078.2(NRXN1):c.3872A>T (p.Gln1291Leu)

Gene: NRXN1 (neurexin 1; minus strand). Cytogenetic location: 2p16.3.
Variant type: single nucleotide variant.
Coding change: c.3872A>T on transcript NM_001330078.2 (MANE Select); coding-DNA position 3872, A replaced by T.
Protein change: p.Gln1291Leu; replaces glutamine 1291 with leucine.
Molecular consequence: missense variant.
Genome position (GRCh38, 1-based): chr2:50,053,527, T>A on the plus strand (A>T on the coding strand, the complement: NRXN1 is on the minus strand). VCF-style: chr2-50053527-T-A. GRCh37 (hg19) VCF-style: chr2-50280665-T-A.
Other names: c.3992A>T, p.Gln1331Leu (NM_001135659.3); c.3848A>T, p.Gln1283Leu (NM_001330077.2, NM_001330082.2); c.3716A>T, p.Gln1239Leu (NM_001330083.2); c.3806A>T, p.Gln1269Leu (NM_001330084.2); c.3845A>T, p.Gln1282Leu (NM_001330085.2); c.3872A>T, p.Gln1291Leu (NM_001330086.2); c.3671A>T, p.Gln1224Leu (NM_001330087.2, NM_001330096.2); c.3701A>T, p.Gln1234Leu (NM_001330088.2); and 6 more; short protein forms Q1244L, Q1261L, Q226L, Q256L, Q1282L, Q1234L, Q1269L, Q1287L.
Identifiers: ClinVar variation 3648826 (VCV003648826.2).